The following is an entry in ClinVar:

ClinVar aggregate classification (germline): Uncertain significance (1 of 4 stars; one submission).

Submission:

Labcorp Genetics (formerly Invitae), Labcorp
Classification: Uncertain significance. Last evaluated: 2022-11-13. Review status: criteria provided, single submitter. Criteria: Invitae Variant Classification Sherloc (09022015). Collection method: clinical testing. Allele origin: germline.
Comment: This sequence change replaces glutamine, which is neutral and polar, with histidine, which is basic and polar, at codon 40 of the GALNT12 protein (p.Gln40His). The frequency data for this variant in the population databases is considered unreliable, as metrics indicate insufficient coverage at this position in the gnomAD database. This variant has not been reported in the literature in individuals affected with GALNT12-related conditions. Algorithms developed to predict the effect of missense changes on protein structure and function are either unavailable or do not agree on the potential impact of this missense change (SIFT: "Tolerated"; PolyPhen-2: "Not Available"; Align-GVGD: "Class C0"). In summary, the available evidence is currently insufficient to determine the role of this variant in disease. Therefore, it has been classified as a Variant of Uncertain Significance.

NM_024642.5(GALNT12):c.120G>C (p.Gln40His)

Gene: GALNT12 (polypeptide N-acetylgalactosaminyltransferase 12; plus strand). Cytogenetic location: 9q22.33.
Variant type: single nucleotide variant.
Coding change: c.120G>C on transcript NM_024642.5 (MANE Select); coding-DNA position 120, G replaced by C.
Protein change: p.Gln40His; replaces glutamine 40 with histidine.
Molecular consequence: missense variant.
Genome position (GRCh38, 1-based): chr9:98,807,818, G>C. VCF-style: chr9-98807818-G-C. GRCh37 (hg19) VCF-style: chr9-101570100-G-C.
Other names: short protein forms Q40H.
Identifiers: ClinVar variation 2015872 (VCV002015872.4), dbSNP rs2490455140, ClinGen allele CA374222326.
Genomic context (GRCh38, chr9:98,807,818, plus strand): 5'-GCTGTTGGTGCTCCTGGCGCTACTGGCGTTGGCCGGGCTGGGCTCGGTGCTGCGGGCGCA[G>C]CGTGGGGCCGGGGCCGGGGCTGCCGAGCCGGGACCCCCGCGCACCCCGCGCCCCGGGCGG-3'
Protein context (NP_078918.3, residues 30-50): LAGLGSVLRA[Gln40His]RGAGAGAAEP